The following is an entry in ClinVar:

NM_172107.4(KCNQ2):c.2285_2287dup (p.Ser762dup)

Gene: KCNQ2 (potassium voltage-gated channel subfamily Q member 2; minus strand). Cytogenetic location: 20q13.33.
Variant type: Duplication.
Coding change: c.2285_2287dup on transcript NM_172107.4 (MANE Select); coding-DNA positions 2285 to 2287, 3 bases duplicated (GCA; older notation c.2285_2287dupGCA).
Protein change: p.Ser762dup; duplicates serine 762.
Molecular consequence: inframe insertion.
Genome position (GRCh38, 1-based): chr20:63,406,976-63,406,978, TGC duplicated on the plus strand (GCA on the coding strand, the reverse complement: KCNQ2 is on the minus strand); duplicating any 3 consecutive bases within chr20:63,406,976-63,406,980 gives the same sequence; the c. name uses the placement nearest the transcript's 3' end. VCF-style (leftmost placement, unchanged base first): chr20-63406975-A-ATGC. GRCh37 (hg19) VCF-style: chr20-62038328-A-ATGC.
Other names: c.2339_2341dup, p.Ser780dup (NM_001382235.1); c.2201_2203dup, p.Ser734dup (NM_004518.6); c.2231_2233dup, p.Ser744dup (NM_172106.3); c.2192_2194dup, p.Ser731dup (NM_172108.5).
Identifiers: ClinVar variation 1043541 (VCV001043541.9), dbSNP rs2079961029, ClinGen allele CA2374774344.
Genomic context (GRCh38, chr20:63,406,975, plus strand): 5'-TCCCGCAGGTTCCCCTCGGGGGGCCTGCAGCCCGGGGTGTCCTCCTGCCGCAGGAACTCC[A>ATGC]TGCTGGCGCGGTTGCCCCCGCCGTAGGCGGACAGCGACCGCTCGTGGGCAGGCGGCGGCG-3'

ClinVar aggregate classification (germline): Uncertain significance (1 of 4 stars; one submission).

Conditions:
Early-infantile DEE. Also called: Ohtahara syndrome; Early infantile epileptic encephalopathy with suppression bursts; Early infantile epileptic encephalopathy. Identifiers: Orphanet 1934, MedGen C0393706, MONDO:0800491.

Submission:

Labcorp Genetics (formerly Invitae), Labcorp
Classification: Uncertain significance for Early-infantile DEE. Last evaluated: 2020-10-20. Review status: criteria provided, single submitter. Criteria: Invitae Variant Classification Sherloc (09022015). Collection method: clinical testing. Allele origin: germline.
Comment: This variant, c.2285_2287dup, results in the insertion of 1 amino acid(s) to the KCNQ2 protein (p.Ser762dup), but otherwise preserves the integrity of the reading frame. The frequency data for this variant in the population databases is considered unreliable, as metrics indicate insufficient coverage at this position in the ExAC database. This variant has not been reported in the literature in individuals with KCNQ2-related conditions. Experimental studies and prediction algorithms are not available or were not evaluated, and the functional significance of this variant is currently unknown. In summary, the available evidence is currently insufficient to determine the role of this variant in disease. Therefore, it has been classified as a Variant of Uncertain Significance.